The following is an entry in ClinVar:

ClinVar aggregate classification (germline): Uncertain significance. Review status: criteria provided, multiple submitters, no conflicts (2 of 4 stars). 2 submissions from 2 submitters: Uncertain significance (2). Last evaluated 2026-01-26.

Conditions:
Myofibrillar myopathy 5. Also called: FILAMINOPATHY, AUTOSOMAL DOMINANT; Filaminopathy (type). Identifiers: Orphanet 171445, MedGen C1836050, MONDO:0012289, OMIM 609524.
Distal myopathy with posterior leg and anterior hand involvement. Also called: WILLIAMS DISTAL MYOPATHY. Identifiers: Orphanet 63273, MedGen C3279722, MONDO:0013550, OMIM 614065.
Hypertrophic cardiomyopathy 26. Also called: Cardiomyopathy, familial hypertrophic, 26. Identifiers: Orphanet 75249, MedGen C4310749, MONDO:0014883, OMIM 617047.
Cardiovascular phenotype. Identifiers: MedGen CN230736.

Submissions (2):

Labcorp Genetics (formerly Invitae), Labcorp
Classification: Uncertain significance for Distal myopathy with posterior leg and anterior hand involvement; Myofibrillar myopathy 5; Hypertrophic cardiomyopathy 26. Last evaluated: 2026-01-26. Review status: criteria provided, single submitter. Criteria: Invitae Variant Classification Sherloc (09022015). Collection method: clinical testing. Allele origin: germline.
Comment: This sequence change replaces threonine, which is neutral and polar, with alanine, which is neutral and non-polar, at codon 435 of the FLNC protein (p.Thr435Ala). This variant is not present in population databases (gnomAD no frequency). This variant has not been reported in the literature in individuals affected with FLNC-related conditions. ClinVar contains an entry for this variant (Variation ID: 939730). Invitae Evidence Modeling of protein sequence and biophysical properties (such as structural, functional, and spatial information, amino acid conservation, physicochemical variation, residue mobility, and thermodynamic stability) has been performed for this missense variant. However, the output from this modeling did not meet the statistical confidence thresholds required to predict the impact of this variant on FLNC protein function. In summary, the available evidence is currently insufficient to determine the role of this variant in disease. Therefore, it has been classified as a Variant of Uncertain Significance.

Ambry Genetics
Classification: Uncertain significance for Cardiovascular phenotype. Last evaluated: 2023-10-26. Review status: criteria provided, single submitter. Criteria: Ambry Variant Classification Scheme 2023. Collection method: clinical testing. Allele origin: germline.
Comment: The p.T435A variant (also known as c.1303A>G), located in coding exon 8 of the FLNC gene, results from an A to G substitution at nucleotide position 1303. The threonine at codon 435 is replaced by alanine, an amino acid with similar properties. This amino acid position is conserved. In addition, this alteration is predicted to be tolerated by in silico analysis. Since supporting evidence is limited at this time, the clinical significance of this alteration remains unclear.

NM_001458.5(FLNC):c.1303A>G (p.Thr435Ala)

Gene: FLNC (filamin C; plus strand). Cytogenetic location: 7q32.1.
Variant type: single nucleotide variant.
Coding change: c.1303A>G on transcript NM_001458.5 (MANE Select); coding-DNA position 1303, A replaced by G.
Protein change: p.Thr435Ala; replaces threonine 435 with alanine.
Molecular consequence: missense variant.
Genome position (GRCh38, 1-based): chr7:128,838,695, A>G. VCF-style: chr7-128838695-A-G. GRCh37 (hg19) VCF-style: chr7-128478749-A-G.
Other names: c.1303A>G, p.Thr435Ala (NM_001127487.2); short protein forms T435A.
Identifiers: ClinVar variation 939730 (VCV000939730.11), dbSNP rs1808206478, ClinGen allele CA369224697.